The following continues an entry in ClinVar:

NM_001283009.1(RTEL1):c.3791G>A (p.Arg1264His)

ClinVar aggregate classification (germline): Pathogenic/Likely pathogenic. Pathogenic (12); Likely pathogenic (4).

Submissions 13 to 20 of 20:

Ambry Genetics
Classification: Likely pathogenic for Inborn genetic diseases. Last evaluated: 2021-06-14. Review status: criteria provided, single submitter. Criteria: Ambry Variant Classification Scheme 2023. Collection method: clinical testing. Allele origin: germline.
Comment: The c.3724+139G>A alteration consists of a G to A substitution 139 nucleotides after exon 34 (coding exon 33) in the NM_032957 isoform of the RTEL1 gene. This alteration is also referred to as c.3791G>A (p.R1264H), which is located in exon 34 (coding exon 33) in the NM_001283009 isoform of the RTEL1 gene, and results from a G to A substitution at nucleotide position 3791, causing the arginine (A) at amino acid position 1264 to be replaced by a histidine (H). Based on data from the Genome Aggregation Database (gnomAD) database, the RTEL1 c.3724+139G>A alteration was observed in 0.01% (41/278700) of total alleles studied, with a frequency of 0.35% (36/10234) in the Ashkenazi Jewish subpopulation. This alteration has been reported in the homozygous and compound heterozygous states in patients with Hoyeraal-Hreidarsson syndrome and/or immunodeficiency. Heterozygous carriers in these families were reportedly unaffected (Ballew, 2013; Walne, 2013; Hanna, 2015). This alteration has an estimated carrier frequency of 1% in the Ashkenazi Orthodox and 0.45% in the general Ashkenazi Jewish population (Fedick, 2015). This alteration has also been identified in the heterozygous state in two siblings with adult-onset pulmonary fibrosis (Cogan, 2015). Patient-derived cell lines demonstrated deficient function as indicated by telomere length heterogeneity, the presence of extra-chromosomal circular telomeric DNA, hypersensitivity to DNA damage and increased sister chromatid exchange (Ballew, 2013). In addition, both patient-derived cells and mutant mouse embryonic fibroblasts demonstrated compromised RTEL1-TRF2 interaction leading to accumulation of telomere circles and telomere loss (Sarek, 2015). Based on the available evidence, this alteration is classified as likely pathogenic.

Women's Health and Genetics/Laboratory Corporation of America, LabCorp
Classification: Pathogenic for Dyskeratosis congenita. Last evaluated: 2019-09-20. Review status: criteria provided, single submitter. Criteria: LabCorp Variant Classification Summary - May 2015. Collection method: clinical testing. Allele origin: germline.
Comment: Variant summary:RTEL1 NM_032957.4:c.3724+139G>A, also known as c.3791G>A (p.Arg1264His) in NM_001283009.1 (rs201540674), is located at a position not widely known to affect splicing. 4/4 computational tools predict no significant impact on normal splicing. However, these predictions have yet to be confirmed by functional studies. Arg1264 is highly conserved and is centrally located within the putative C4C4 Zn2+ coordination domain of the encoded protein. In silico prediction algorithms (SIFT, PolyPhen-2, and Condel) indicate that this amino acid substitution is likely to be damaging to the protein (Ballew_2013). The variant allele was found at a frequency of 0.00016 in 247320 control chromosomes. This frequency is not significantly higher than expected for a pathogenic variant in RTEL1 causing Dyskeratosis Congenita (Hoyeraal Hreidarsson Syndrome) (0.00016 vs 0.0011), allowing no conclusion about variant significance. c.3724+139G>A has been reported in the literature in multiple individuals affected with Dyskeratosis Congenita (Hoyeraal Hreidarsson Syndrome)(Walne_2013, Ballew_2013) including at-least one ascertained report of its homozygous presence in an individual with isolated natural killer cell deficiency (Hanna_2015). These data indicate that the variant is very likely to be associated with disease. At least one publication reports experimental evidence evaluating an impact on protein function. The most pronounced variant effect results in telomere dysfunction, including significantly decreased telomere length, telomere length heterogeneity, and the presence of extra-chromosomal circular telomeric DNA. In addition, RTEL1 mutant cells exhibited enhanced sensitivity to the interstrand cross-linking agent mitomycin C (Ballew_2013). Six submitters have provided clinical-significance assessments for this variant to ClinVar after 2014 without evidence for independent evaluation. All clinical diagnostic laboratories classified the variant as pathogenic (n=3)/likely pathogenic (n=1). Based on the evidence outlined above, the variant was classified as pathogenic.

Laboratory for Molecular Medicine, Mass General Brigham Personalized Medicine
Classification: Likely pathogenic for Dyskeratosis congenita. Last evaluated: 2019-05-03. Review status: criteria provided, single submitter. Criteria: LMM Criteria. Collection method: clinical testing. Allele origin: germline. Observed: 1 variant allele.
Comment: The p.Arg1264His variant in RTEL1 has been reported in the homozygous state in 4 individuals with Dyskeratosis Congenita (DC) or Hoyeraal Hreidarsson (HH), a severe form of DC (Ballwe 2013, Gueye 2014, Hanna 2015). It has also been identified in the compound heterozygous state with another missense variant in an individual with HH (Walne 2013). In addition, this variant was identified in the heterozygous state in 2 siblings with pulmonary fibrosis (Cogan 2015). Although some variants in RTEL1 have been reported to be associated with increased risk for developing pulmonary fibrosis or other isolated features of DC, additional evidence would be needed to determine if this variant confers a risk for disease in the heterozgous state. This variant has also been identified in 0.35% (36/10234) of Ashkenazi Jewish chromosomes by gnomAD, and a carrier screening study identified the variant in 1% of the orthodox Ashkenazi Jewish population and 0.45% of the general Ashkenazi Jewish population (Fedick 2015). Computational prediction tools and conservation analysis do not provide strong support for or against an impact to the protein; however, in vitro functional studies suggest that this variant impacts protein function (Sarek 2015). In summary, although the allele frequency of this variant in the Ashkenazi Jewish population of gnomAD is higher than the expected maximum allele frequency for a pathogenic variant in RTEL1, this variant meets criteria to be classified as likely pathogenic for autosomal recessive dyskeratosis congenita. ACMG/AMP Criteria applied: PM3_Strong, PS3_Moderate, PP4, BS1.

University of Washington Center for Mendelian Genomics, University of Washington
Classification: Pathogenic for Interstitial lung disease 2. Last evaluated: 2015-05-19. Review status: criteria provided, single submitter. Criteria: Submitter's publication. Collection method: research. Allele origin: inherited. Affected: yes.

Counsyl
Classification: Likely pathogenic for Dyskeratosis congenita, autosomal recessive 5. Last evaluated: 2016-03-03. Review status: no assertion criteria provided. Collection method: clinical testing. Allele origin: unknown. Not counted in ClinVar's aggregate classification.

OMIM
Classification: Pathogenic for DYSKERATOSIS CONGENITA, AUTOSOMAL RECESSIVE 5. Last evaluated: 2015-03-15. Review status: no assertion criteria provided. Collection method: literature only. Allele origin: germline. Not counted in ClinVar's aggregate classification.

OMIM
Classification: Pathogenic for PULMONARY FIBROSIS AND/OR BONE MARROW FAILURE SYNDROME, TELOMERE-RELATED, 3. Last evaluated: 2015-03-15. Review status: no assertion criteria provided. Collection method: literature only. Allele origin: germline. Not counted in ClinVar's aggregate classification.

GeneReviews
No classification provided. Condition: Dyskeratosis congenita, autosomal recessive 5. Review status: no classification provided. Collection method: literature only. Allele origin: germline. Affected: yes. Not counted in ClinVar's aggregate classification.

Literature cited by the submitters: PubMed 23453664 (cited by 8 submitters); PubMed 24009516 (cited by 7 submitters); PubMed 25047097 (cited by 4 submitters); PubMed 25099625 (cited by 3 submitters); PubMed 26025130 (cited by 5 submitters); PubMed 25620558 (cited by 5 submitters); PubMed 27418648 (cited by Natera, Inc.); PubMed 29344583 (cited by Center for Genomic Medicine, Rigshospitalet, Copenhagen University Hospital); PubMed 25607374 (cited by 3 submitters); NCBI Bookshelf NBK22301 (cited by GeneReviews).